The following is an entry in ClinVar:

ClinVar aggregate classification (germline): Uncertain significance (1 of 4 stars; one submission).

Conditions:
Hereditary spastic paraplegia 43. Also called: Spastic paraplegia 43, autosomal recessive. Identifiers: Orphanet 320370, MedGen C2680446, MONDO:0014024, OMIM 615043.

Allele frequency attached by ClinVar (database versions not stated): gnomAD 0.00001; gnomAD exomes 0.00001 and 0.00003; ExAC 0.00003.

Submission:

Labcorp Genetics (formerly Invitae), Labcorp
Classification: Uncertain significance for Hereditary spastic paraplegia 43. Last evaluated: 2020-03-09. Review status: criteria provided, single submitter. Criteria: Invitae Variant Classification Sherloc (09022015). Collection method: clinical testing. Allele origin: germline.
Comment: In summary, the available evidence is currently insufficient to determine the role of this variant in disease. Therefore, it has been classified as a Variant of Uncertain Significance. Algorithms developed to predict the effect of missense changes on protein structure and function (SIFT, PolyPhen-2, Align-GVGD) all suggest that this variant is likely to be tolerated, but these predictions have not been confirmed by published functional studies and their clinical significance is uncertain. This variant has not been reported in the literature in individuals with C19orf12-related conditions. This variant is present in population databases (rs752858139, ExAC 0.02%). This sequence change replaces alanine with valine at codon 120 of the C19orf12 protein (p.Ala120Val). The alanine residue is weakly conserved and there is a small physicochemical difference between alanine and valine.

NM_031448.6(C19orf12):c.326C>T (p.Ala109Val)

Gene: C19orf12 (chromosome 19 open reading frame 12; minus strand). Cytogenetic location: 19q12.
Variant type: single nucleotide variant.
Coding change: c.326C>T on transcript NM_031448.6 (MANE Select); coding-DNA position 326, C replaced by T.
Protein change: p.Ala109Val; replaces alanine 109 with valine.
Molecular consequence: missense variant. On other transcripts: intron variant (1).
Genome position (GRCh38, 1-based): chr19:29,702,812, G>A on the plus strand (C>T on the coding strand, the complement: C19orf12 is on the minus strand). VCF-style: chr19-29702812-G-A. GRCh37 (hg19) VCF-style: chr19-30193719-G-A.
Other names: c.326C>T, p.Ala109Val (NM_001031726.4, NM_001256047.2); c.134C>T, p.Ala45Val (NM_001282929.1, NM_001282930.3, NM_001282931.3); c.291-20C>T (NM_001256046.3); short protein forms A109V, A45V.
Identifiers: ClinVar variation 1008373 (VCV001008373.7), dbSNP rs752858139, ClinGen allele CA9351882.